The following is an entry in ClinVar:

NM_002291.3(LAMB1):c.4381C>T (p.Leu1461Phe)

Gene: LAMB1 (laminin subunit beta 1; minus strand). Cytogenetic location: 7q31.1.
Variant type: single nucleotide variant.
Coding change: c.4381C>T on transcript NM_002291.3 (MANE Select); coding-DNA position 4381, C replaced by T.
Protein change: p.Leu1461Phe; replaces leucine 1461 with phenylalanine.
Molecular consequence: missense variant.
Genome position (GRCh38, 1-based): chr7:107,932,185, G>A on the plus strand (C>T on the coding strand, the complement: LAMB1 is on the minus strand). VCF-style: chr7-107932185-G-A. GRCh37 (hg19) VCF-style: chr7-107572630-G-A.
Other names: short protein forms L1461F.
Identifiers: ClinVar variation 2142887 (VCV002142887.4), dbSNP rs147480353, ClinGen allele CA4435061.

ClinVar aggregate classification (germline): Uncertain significance (1 of 4 stars; one submission).

Allele frequency attached by ClinVar (database versions not stated): gnomAD exomes 0.00002; TOPMed 0.00002; ExAC 0.00003; gnomAD 0.00003; ESP Exome Variant Server 0.00008.
gnomAD v4.1: 37 of 1,614,162 alleles (0.0023%); highest among the groups gnomAD compares: Middle Eastern, 0.033%; no homozygotes.

Submission:

Labcorp Genetics (formerly Invitae), Labcorp
Classification: Uncertain significance. Last evaluated: 2022-03-18. Review status: criteria provided, single submitter. Criteria: Invitae Variant Classification Sherloc (09022015). Collection method: clinical testing. Allele origin: germline.
Comment: In summary, the available evidence is currently insufficient to determine the role of this variant in disease. Therefore, it has been classified as a Variant of Uncertain Significance. Algorithms developed to predict the effect of missense changes on protein structure and function are either unavailable or do not agree on the potential impact of this missense change (SIFT: "Deleterious"; PolyPhen-2: "Probably Damaging"; Align-GVGD: "Class C15"). This variant has not been reported in the literature in individuals affected with LAMB1-related conditions. This variant is present in population databases (rs147480353, gnomAD 0.01%). This sequence change replaces leucine, which is neutral and non-polar, with phenylalanine, which is neutral and non-polar, at codon 1461 of the LAMB1 protein (p.Leu1461Phe).